The following is an entry in ClinVar:

ClinVar aggregate classification (germline): Benign. Review status: criteria provided, multiple submitters, no conflicts (2 of 4 stars). 2 submissions from 2 submitters: Benign (2). Last evaluated 2018-01-12.

Conditions:
Hepatoencephalopathy due to combined oxidative phosphorylation defect type 1. Also called: HEPATOENCEPHALOPATHY, EARLY FATAL PROGRESSIVE. Identifiers: Orphanet 137681, MedGen C1836797, MONDO:0012191, OMIM 609060.

Allele frequency attached by ClinVar (database versions not stated): gnomAD exomes 0.22321; 1000 Genomes Project 0.40915; 1000 Genomes Project 30x 0.41443; gnomAD 0.41638 and 0.42246; TOPMed 0.42699.
gnomAD v4.1: 63,178 of 152,090 alleles (42%); highest among the groups gnomAD compares: African/African-American, 60%; 14,277 homozygotes.

Submissions (4):

Illumina Laboratory Services, Illumina
Classification: Benign for Hepatoencephalopathy due to combined oxidative phosphorylation defect type 1. Last evaluated: 2018-01-12. Review status: criteria provided, single submitter. Criteria: ICSL Variant Classification Criteria 13 December 2019. Collection method: clinical testing. Allele origin: germline.
Comment: This variant was observed in the ICSL laboratory as part of a predisposition screen in an ostensibly healthy population. It had not been previously curated by ICSL or reported in the Human Gene Mutation Database (HGMD: prior to June 1st, 2018), and was therefore a candidate for classification through an automated scoring system. Utilizing variant allele frequency, disease prevalence and penetrance estimates, and inheritance mode, an automated score was calculated to assess if this variant is too frequent to cause the disease. Based on the score and internal cut-off values, a variant classified as benign is not then subjected to further curation. The score for this variant resulted in a classification of benign for this disease.

Breakthrough Genomics
Classification: Benign. Review status: criteria provided, single submitter. Criteria: ACMG Guidelines, 2015. Collection method: not provided. Allele origin: germline. Inheritance: Autosomal recessive inheritance. Affected: yes.

Dr. Peter K. Rogan Lab, Western University
No classification provided (evidence only). Condition: Cervical cancer. Review status: no classification provided. Collection method: in vitro. Allele origin: not applicable. Functional consequence: retained intron. Not counted in ClinVar's aggregate classification.

Dr. Peter K. Rogan Lab, Western University
No classification provided (evidence only). Condition: Uterine carcinosarcoma. Review status: no classification provided. Collection method: in vitro. Allele origin: not applicable. Functional consequence: retained intron. Not counted in ClinVar's aggregate classification.

NM_024996.7(GFM1):c.*691T>A

Gene: GFM1 (G elongation factor mitochondrial 1; plus strand). Cytogenetic location: 3q25.32.
Variant type: single nucleotide variant.
Coding change: c.*691T>A on transcript NM_024996.7 (MANE Select); 691 bases downstream of the stop codon, T replaced by A.
Molecular consequence: 3 prime UTR variant. On other transcripts: non-coding transcript variant (4).
Genome position (GRCh38, 1-based): chr3:158,692,158, T>A. VCF-style: chr3-158692158-T-A. GRCh37 (hg19) VCF-style: chr3-158409947-T-A.
Other names: NC_000003.11:g.158409947T>A; c.*691T>A (NM_001308164.2, NM_001374355.1, NM_001374356.1 and 5 more transcripts).
Identifiers: ClinVar variation 343946 (VCV000343946.7), dbSNP rs8650, ClinGen allele CA10617863.